The following is an entry in ClinVar:

NM_001040142.2(SCN2A):c.3413C>G (p.Thr1138Ser)

Gene: SCN2A (sodium voltage-gated channel alpha subunit 2; plus strand). Cytogenetic location: 2q24.3.
Variant type: single nucleotide variant.
Coding change: c.3413C>G on transcript NM_001040142.2 (MANE Select); coding-DNA position 3413, C replaced by G.
Protein change: p.Thr1138Ser; replaces threonine 1138 with serine.
Molecular consequence: missense variant.
Genome position (GRCh38, 1-based): chr2:165,365,156, C>G. VCF-style: chr2-165365156-C-G. GRCh37 (hg19) VCF-style: chr2-166221666-C-G.
Other names: c.3413C>G, p.Thr1138Ser (NM_001040143.2, NM_001371246.1, NM_001371247.1 and 1 more transcripts); short protein forms T1138S.
Identifiers: ClinVar variation 1054863 (VCV001054863.11), dbSNP rs2105355734, ClinGen allele CA349024390.

ClinVar aggregate classification (germline): Uncertain significance. Review status: criteria provided, multiple submitters, no conflicts (2 of 4 stars). 3 submissions from 3 submitters: Uncertain significance (3). Last evaluated 2025-06-18.

Conditions:
Developmental and epileptic encephalopathy, 11 (DEE11). Also called: Early infantile epileptic encephalopathy 11. Identifiers: Orphanet 1934, MedGen C3150987, MONDO:0013388, OMIM 613721.
Episodic ataxia, type 9. Identifiers: MedGen C5394520, MONDO:0030064, OMIM 618924.
Seizures, benign familial infantile, 3 (BFIS3). Also called: Familial neonatal seizures; CONVULSIONS, BENIGN FAMILIAL INFANTILE, 3. Identifiers: Orphanet 140927, Orphanet 306, MedGen C1843140, MONDO:0011904, OMIM 607745.

Allele frequency attached by ClinVar (database versions not stated): gnomAD exomes below 0.00001.
gnomAD v4.1: 1 of 1,612,772 alleles (0.000062%); highest among the groups gnomAD compares: Middle Eastern, 0.017%; no homozygotes.

Submissions (3):

Labcorp Genetics (formerly Invitae), Labcorp
Classification: Uncertain significance for Seizures, benign familial infantile, 3; Developmental and epileptic encephalopathy, 11. Last evaluated: 2025-06-18. Review status: criteria provided, single submitter. Criteria: Invitae Variant Classification Sherloc (09022015). Collection method: clinical testing. Allele origin: germline.
Comment: This sequence change replaces threonine, which is neutral and polar, with serine, which is neutral and polar, at codon 1138 of the SCN2A protein (p.Thr1138Ser). This variant is not present in population databases (gnomAD no frequency). This variant has not been reported in the literature in individuals affected with SCN2A-related conditions. ClinVar contains an entry for this variant (Variation ID: 1054863). Invitae Evidence Modeling of protein sequence and biophysical properties (such as structural, functional, and spatial information, amino acid conservation, physicochemical variation, residue mobility, and thermodynamic stability) indicates that this missense variant is not expected to disrupt SCN2A protein function with a negative predictive value of 95%. In summary, the available evidence is currently insufficient to determine the role of this variant in disease. Therefore, it has been classified as a Variant of Uncertain Significance.

GeneDx
Classification: Uncertain significance. Last evaluated: 2024-11-17. Review status: criteria provided, single submitter. Criteria: GeneDx Variant Classification Process June 2021. Collection method: clinical testing. Allele origin: germline. Affected: yes.
Comment: Not observed at significant frequency in large population cohorts (gnomAD); In silico analysis indicates that this missense variant does not alter protein structure/function; Has not been previously published as pathogenic or benign to our knowledge; This substitution is predicted to be in the cytoplasmic loop between the second and third homologous domains

Fulgent Genetics
Classification: Uncertain significance for Seizures, benign familial infantile, 3; Developmental and epileptic encephalopathy, 11; Episodic ataxia, type 9. Last evaluated: 2021-07-30. Review status: criteria provided, single submitter. Criteria: ACMG Guidelines, 2015. Collection method: clinical testing. Allele origin: unknown.